The following is an entry in ClinVar:

NM_001326411.2(PISD):c.1157C>T (p.Ala386Val)

Gene: PISD (phosphatidylserine decarboxylase; minus strand). Cytogenetic location: 22q12.2.
Variant type: single nucleotide variant.
Coding change: c.1157C>T on transcript NM_001326411.2 (MANE Select); coding-DNA position 1157, C replaced by T.
Protein change: p.Ala386Val; replaces alanine 386 with valine.
Molecular consequence: missense variant. On other transcripts: 3 prime UTR variant (1).
Genome position (GRCh38, 1-based): chr22:31,619,685, G>A on the plus strand (C>T on the coding strand, the complement: PISD is on the minus strand). VCF-style: chr22-31619685-G-A. GRCh37 (hg19) VCF-style: chr22-32015671-G-A.
Other names: c.1094C>T, p.Ala365Val (NM_001326412.1, NM_001326413.2, NM_001326414.2); c.1055C>T, p.Ala352Val (NM_001326415.2, NM_001326416.2, NM_001326417.2 and 2 more transcripts); c.977C>T, p.Ala326Val (NM_001326418.2); c.941C>T, p.Ala314Val (NM_001326419.2); c.863C>T, p.Ala288Val (NM_001326420.2); c.*105C>T (NM_001326421.1); c.1055C>T (NM_014338.3); short protein forms A314V, A288V, A326V, A352V, A365V, A386V.
Identifiers: ClinVar variation 2711383 (VCV002711383.3), dbSNP rs368767591, ClinGen allele CA10194513.

ClinVar aggregate classification (germline): Uncertain significance. Review status: criteria provided, multiple submitters, no conflicts (2 of 4 stars). 2 submissions from 2 submitters: Uncertain significance (2). Last evaluated 2024-08-28.

Conditions:
Inborn genetic diseases. Identifiers: MedGen C0950123, MeSH D030342.

Allele frequency attached by ClinVar (database versions not stated): gnomAD exomes 0.00004; gnomAD 0.00005; ExAC 0.00006; ESP Exome Variant Server 0.00008.
gnomAD v4.1: 67 of 1,614,096 alleles (0.0042%); highest among the groups gnomAD compares: Non-Finnish European, 0.0053%; no homozygotes.

Submissions (2):

Ambry Genetics
Classification: Uncertain significance for Inborn genetic diseases. Last evaluated: 2024-08-28. Review status: criteria provided, single submitter. Criteria: Ambry Variant Classification Scheme 2023. Collection method: clinical testing. Allele origin: germline.

Labcorp Genetics (formerly Invitae), Labcorp
Classification: Uncertain significance. Last evaluated: 2023-10-13. Review status: criteria provided, single submitter. Criteria: Invitae Variant Classification Sherloc (09022015). Collection method: clinical testing. Allele origin: germline.
Comment: This sequence change replaces alanine, which is neutral and non-polar, with valine, which is neutral and non-polar, at codon 386 of the PISD protein (p.Ala386Val). This variant is present in population databases (rs368767591, gnomAD 0.007%). This variant has not been reported in the literature in individuals affected with PISD-related conditions. Advanced modeling of protein sequence and biophysical properties (such as structural, functional, and spatial information, amino acid conservation, physicochemical variation, residue mobility, and thermodynamic stability) performed at Invitae indicates that this missense variant is not expected to disrupt PISD protein function. In summary, the available evidence is currently insufficient to determine the role of this variant in disease. Therefore, it has been classified as a Variant of Uncertain Significance.